The following is an entry in ClinVar:

ClinVar aggregate classification (germline): Uncertain significance (1 of 4 stars; one submission).

Conditions:
Epilepsy, familial focal, with variable foci 3 (FFEVF3). Identifiers: MedGen C4310708, MONDO:0014925, OMIM 617118.

Submission:

Labcorp Genetics (formerly Invitae), Labcorp
Classification: Uncertain significance for Epilepsy, familial focal, with variable foci 3. Last evaluated: 2024-10-27. Review status: criteria provided, single submitter. Criteria: Invitae Variant Classification Sherloc (09022015). Collection method: clinical testing. Allele origin: germline.
Comment: This sequence change replaces glutamine, which is neutral and polar, with arginine, which is basic and polar, at codon 32 of the NPRL3 protein (p.Gln32Arg). This variant is not present in population databases (gnomAD no frequency). This variant has not been reported in the literature in individuals affected with NPRL3-related conditions. An algorithm developed to predict the effect of missense changes on protein structure and function outputs the following: PolyPhen-2: "Not Available". The arginine amino acid residue is found in multiple mammalian species, which suggests that this missense change does not adversely affect protein function. In summary, the available evidence is currently insufficient to determine the role of this variant in disease. Therefore, it has been classified as a Variant of Uncertain Significance.

NM_001077350.3(NPRL3):c.95A>G (p.Gln32Arg)

Genes: HBA-LCR (alpha-globin locus control region; plus strand), NPRL3 (NPR3 like, GATOR1 complex subunit; minus strand). Cytogenetic location: 16p13.3.
Variant type: single nucleotide variant.
Coding change: c.95A>G on transcript NM_001077350.3 (MANE Select); coding-DNA position 95, A replaced by G.
Protein change: p.Gln32Arg; replaces glutamine 32 with arginine.
Molecular consequence: missense variant. On other transcripts: 5 prime UTR variant (2).
Genome position (GRCh38, 1-based): chr16:138,173, T>C on the plus strand (A>G on the coding strand, the complement: NPRL3 is on the minus strand). VCF-style: chr16-138173-T-C. GRCh37 (hg19) VCF-style: chr16-188172-T-C.
Other names: c.-238A>G (NM_001039476.3); c.-277A>G (NM_001243247.2); c.95A>G, p.Gln32Arg (NM_001243248.2, NM_001243249.2); short protein forms Q32R.
Identifiers: ClinVar variation 3630253 (VCV003630253.2).